The following is an entry in ClinVar:

NM_004385.5(VCAN):c.5477G>C (p.Arg1826Pro)

Genes: VCAN (versican; plus strand), VCAN-AS1 (VCAN antisense RNA 1; minus strand). Cytogenetic location: 5q14.3.
Variant type: single nucleotide variant.
Coding change: c.5477G>C on transcript NM_004385.5 (MANE Select); coding-DNA position 5477, G replaced by C.
Protein change: p.Arg1826Pro; replaces arginine 1826 with proline.
Molecular consequence: missense variant. On other transcripts: intron variant (2).
Genome position (GRCh38, 1-based): chr5:83,538,480, G>C. VCF-style: chr5-83538480-G-C. GRCh37 (hg19) VCF-style: chr5-82834299-G-C.
Other names: c.2516G>C, p.Arg839Pro (NM_001164097.2); c.4004-7057G>C (NM_001164098.2); c.1043-7057G>C (NM_001126336.3); short protein forms R1826P, R839P.
Identifiers: ClinVar variation 3672951 (VCV003672951.2).

ClinVar aggregate classification (germline): Uncertain significance (1 of 4 stars; one submission).

Submission:

Labcorp Genetics (formerly Invitae), Labcorp
Classification: Uncertain significance. Last evaluated: 2024-11-11. Review status: criteria provided, single submitter. Criteria: Invitae Variant Classification Sherloc (09022015). Collection method: clinical testing. Allele origin: germline.
Comment: This sequence change replaces arginine, which is basic and polar, with proline, which is neutral and non-polar, at codon 1826 of the VCAN protein (p.Arg1826Pro). This variant is not present in population databases (gnomAD no frequency). This variant has not been reported in the literature in individuals affected with VCAN-related conditions. An algorithm developed to predict the effect of missense changes on protein structure and function (PolyPhen-2) suggests that this variant is likely to be tolerated. In summary, the available evidence is currently insufficient to determine the role of this variant in disease. Therefore, it has been classified as a Variant of Uncertain Significance.